The following is an entry in ClinVar:

ClinVar aggregate classification (germline): Conflicting classifications of pathogenicity. Review status: criteria provided, conflicting classifications (1 of 4 stars). 3 submissions from 3 submitters: Uncertain significance (1); Likely benign (1). 1 of the submissions does not count toward it. Last evaluated 2025-11-03.

Conditions:
Landau-Kleffner syndrome (FESD). Also called: EPILEPSY, FOCAL, WITH SPEECH DISORDER AND WITH OR WITHOUT MENTAL RETARDATION; APHASIA, ACQUIRED, WITH EPILEPSY. Identifiers: Orphanet 1945, Orphanet 725, Orphanet 98818, MedGen C0282512, MONDO:0009509, OMIM 245570.
Intellectual disability. Also called: Intellectual functioning disability; intellectual disabilities; Intellectual developmental disorder. Identifiers: MedGen C3714756, MeSH D008607, MONDO:0001071, HP:0001249.

Allele frequency attached by ClinVar (database versions not stated): gnomAD 0.00001 and 0.00002; 1000 Genomes Project 0.00020; ExAC 0.00002; 1000 Genomes Project 30x 0.00016; TOPMed below 0.00001.
gnomAD v4.1: 11 of 1,613,648 alleles (0.00068%); highest among the groups gnomAD compares: Middle Eastern, 0.017%; no homozygotes.

Submissions (3):

Labcorp Genetics (formerly Invitae), Labcorp
Classification: Likely benign for Landau-Kleffner syndrome. Last evaluated: 2025-11-03. Review status: criteria provided, single submitter. Criteria: Invitae Variant Classification Sherloc (09022015). Collection method: clinical testing. Allele origin: germline.

Blueprint Genetics
Classification: Uncertain significance. Last evaluated: 2022-07-22. Review status: criteria provided, single submitter. Criteria: ACMG Guidelines, 2015. Collection method: clinical testing. Allele origin: germline.

Service de Biochimie Médicale et Biologie Moléculaire, CHU Clermont-Ferrand
Classification: Likely benign for Intellectual disability. Last evaluated: 2021-06-02. Review status: no assertion criteria provided. Collection method: clinical testing. Allele origin: paternal. Inheritance: Autosomal dominant inheritance. Affected: yes. Observed: 4 variant alleles, 4 heterozygotes. Clinical features observed: Global developmental delay (HP:0001263). Not counted in ClinVar's aggregate classification.
Comment: The c.4354C>T was identified twice and each time was inherited from one of the parents ((who were asymptomatic)

NM_001134407.3(GRIN2A):c.4354C>T (p.Arg1452Cys)

Gene: GRIN2A (glutamate ionotropic receptor NMDA type subunit 2A; minus strand). Cytogenetic location: 16p13.2.
Variant type: single nucleotide variant.
Coding change: c.4354C>T on transcript NM_001134407.3 (MANE Select); coding-DNA position 4354, C replaced by T.
Protein change: p.Arg1452Cys; replaces arginine 1452 with cysteine.
Molecular consequence: missense variant. On other transcripts: 3 prime UTR variant (1).
Genome position (GRCh38, 1-based): chr16:9,763,190, G>A on the plus strand (C>T on the coding strand, the complement: GRIN2A is on the minus strand). VCF-style: chr16-9763190-G-A. GRCh37 (hg19) VCF-style: chr16-9857047-G-A.
Other names: c.4354C>T, p.Arg1452Cys (NM_000833.5); c.*165C>T (NM_001134408.2); short protein forms R1452C.
Identifiers: ClinVar variation 1120231 (VCV001120231.8), dbSNP rs568622613, ClinGen allele CA7896170.